The following is an entry in ClinVar:

ClinVar aggregate classification (germline): Uncertain significance. Review status: criteria provided, multiple submitters, no conflicts (2 of 4 stars). 3 submissions from 3 submitters: Uncertain significance (2). 1 of the submissions does not count toward it. Last evaluated 2024-10-30.

Conditions:
Familial meningioma. Also called: Meningioma, familial, susceptibility to. Identifiers: Orphanet 263662, MedGen C3551915, MONDO:0011789, OMIM 607174.
Hereditary cancer-predisposing syndrome. Also called: Tumor predisposition; Neoplastic Syndromes, Hereditary; Hereditary neoplastic syndrome; Hereditary Cancer Syndrome. Identifiers: Orphanet 140162, MedGen C0027672, MeSH D009386, MONDO:0015356.

Allele frequency attached by ClinVar (database versions not stated): gnomAD exomes below 0.00001.
gnomAD v4.1: 1 of 1,614,176 alleles (0.000062%); highest among the groups gnomAD compares: Non-Finnish European, 0.000085%; no homozygotes.

Submissions (3):

Centre of Medical Genetics, University Hospital Muenster
Classification: Uncertain significance. Last evaluated: 2024-10-30. Review status: criteria provided, single submitter. Criteria: ACMG Guidelines, 2015. Collection method: clinical testing. Allele origin: unknown. Affected: yes. Observed: 1 variant allele, 1 heterozygote.
Comment: ACMG categories: PS3,PM2_sup,PP2,PP3

Ambry Genetics
Classification: Uncertain significance for Hereditary cancer-predisposing syndrome. Last evaluated: 2022-09-20. Review status: criteria provided, single submitter. Criteria: Ambry Variant Classification Scheme 2023. Collection method: clinical testing. Allele origin: germline.
Comment: The p.R123C variant (also known as c.367C>T), located in coding exon 3 of the SUFU gene, results from a C to T substitution at nucleotide position 367. The arginine at codon 123 is replaced by cysteine, an amino acid with highly dissimilar properties. This alteration was identified in multiple individuals from one family diagnosed with meningiomas (Aavikko M et al. Am J Hum Genet, 2012 Sep;91:520-6). This amino acid position is highly conserved in available vertebrate species. In addition, this alteration is predicted to be deleterious by in silico analysis. Since supporting evidence is limited at this time, the clinical significance of this alteration remains unclear.

OMIM
Classification: risk factor for MENINGIOMA, FAMILIAL, SUSCEPTIBILITY TO. Last evaluated: 2012-09-07. Review status: no assertion criteria provided. Collection method: literature only. Allele origin: germline. Not counted in ClinVar's aggregate classification.

Literature cited by the submitters: PubMed 22958902 (cited by Ambry Genetics and OMIM).

NM_016169.4(SUFU):c.367C>T (p.Arg123Cys)

Gene: SUFU (SUFU negative regulator of hedgehog signaling; plus strand). Cytogenetic location: 10q24.32.
Variant type: single nucleotide variant.
Coding change: c.367C>T on transcript NM_016169.4 (MANE Select); coding-DNA position 367, C replaced by T.
Protein change: p.Arg123Cys; replaces arginine 123 with cysteine.
Molecular consequence: missense variant.
Genome position (GRCh38, 1-based): chr10:102,550,019, C>T. VCF-style: chr10-102550019-C-T. GRCh37 (hg19) VCF-style: chr10-104309776-C-T.
Other names: SUFU, ARG123CYS (rs202247756); c.367C>T, p.Arg123Cys (NM_001178133.2); short protein forms R123C.
Identifiers: ClinVar variation 37215 (VCV000037215.4), dbSNP rs202247756, ClinGen allele CA130108.
Genomic context (GRCh38, chr10:102,550,019, plus strand): 5'-ATGTCTTTCAGGTTTACAGGAACAGATGGACCTAGTGGTTTTGGCTTTGAGTTGACCTTT[C>T]GTCTGAAGAGAGAAACTGGGGAGTCTGCCCCACCAACATGGCCCGCAGAGTTAATGCAGG-3'
Protein context (NP_057253.2, residues 113-133): PSGFGFELTF[Arg123Cys]LKRETGESAP